The following is an entry in ClinVar:

NM_000245.4(MET):c.3991T>G (p.Ser1331Ala)

Gene: MET (MET proto-oncogene, receptor tyrosine kinase; plus strand). Cytogenetic location: 7q31.2.
Variant type: single nucleotide variant.
Coding change: c.3991T>G on transcript NM_000245.4 (MANE Select); coding-DNA position 3991, T replaced by G.
Protein change: p.Ser1331Ala; replaces serine 1331 with alanine.
Molecular consequence: missense variant.
Genome position (GRCh38, 1-based): chr7:116,795,942, T>G. VCF-style: chr7-116795942-T-G. GRCh37 (hg19) VCF-style: chr7-116435996-T-G.
Other names: c.4045T>G, p.Ser1349Ala (NM_001127500.3); c.2701T>G, p.Ser901Ala (NM_001324402.2); c.3991T>G (NM_000245.2); short protein forms S1349A, S1331A, S901A.
Identifiers: ClinVar variation 584720 (VCV000584720.10), dbSNP rs1562941559, ClinGen allele CA369118171.
Genomic context (GRCh38, chr7:116,795,942, plus strand): 5'-AACAGATATGAAGTAATGCTAAAATGCTGGCACCCTAAAGCCGAAATGCGCCCATCCTTT[T>G]CTGAACTGGTGTCCCGGATATCAGCGATCTTCTCTACTTTCATTGGGGAGCACTATGTCC-3'
Protein context (NP_000236.2, residues 1321-1341): HPKAEMRPSF[Ser1331Ala]ELVSRISAIF

ClinVar aggregate classification (germline): Uncertain significance. Review status: criteria provided, multiple submitters, no conflicts (2 of 4 stars). 3 submissions from 3 submitters: Uncertain significance (3). Last evaluated 2026-07-06.

Conditions:
Hereditary cancer-predisposing syndrome. Also called: Neoplastic Syndromes, Hereditary; Hereditary Cancer Syndrome; Hereditary neoplastic syndrome; Tumor predisposition. Identifiers: Orphanet 140162, MedGen C0027672, MeSH D009386, MONDO:0015356.
Papillary renal cell carcinoma type 1 (RCCP1). Also called: Renal adenocarcinoma; Renal cell carcinoma 1; Renal cell carcinoma, somatic; RENAL CELL CARCINOMA, PAPILLARY, 1, SOMATIC. Identifiers: Orphanet 47044, MedGen C1336839, OMIM 605074, HP:0011797.
Renal cell carcinoma. Identifiers: Orphanet 217071, MedGen C0007134, MeSH D002292, MONDO:0005086, HP:0005584.

Submissions (3):

Ambry Genetics
Classification: Uncertain significance for Hereditary cancer-predisposing syndrome. Last evaluated: 2026-07-06. Review status: criteria provided, single submitter. Criteria: Ambry Variant Classification Scheme 2023. Collection method: clinical testing. Allele origin: germline.
Comment: The p.S1331A variant (also known as c.3991T>G), located in coding exon 20 of the MET gene, results from a T to G substitution at nucleotide position 3991. The serine at codon 1331 is replaced by alanine, an amino acid with similar properties. This amino acid position is conserved. In addition, the in silico prediction for this alteration is inconclusive. Based on the available evidence, the clinical significance of this variant remains unclear.

Labcorp Genetics (formerly Invitae), Labcorp
Classification: Uncertain significance for Renal cell carcinoma. Last evaluated: 2025-07-21. Review status: criteria provided, single submitter. Criteria: Invitae Variant Classification Sherloc (09022015). Collection method: clinical testing. Allele origin: germline.
Comment: This sequence change replaces serine, which is neutral and polar, with alanine, which is neutral and non-polar, at codon 1349 of the MET protein (p.Ser1349Ala). This variant is not present in population databases (gnomAD no frequency). This variant has not been reported in the literature in individuals affected with MET-related conditions. ClinVar contains an entry for this variant (Variation ID: 584720). Invitae Evidence Modeling of protein sequence and biophysical properties (such as structural, functional, and spatial information, amino acid conservation, physicochemical variation, residue mobility, and thermodynamic stability) indicates that this missense variant is not expected to disrupt MET protein function with a negative predictive value of 80%. In summary, the available evidence is currently insufficient to determine the role of this variant in disease. Therefore, it has been classified as a Variant of Uncertain Significance.

Mendelics
Classification: Uncertain significance for Renal cell carcinoma, papillary, 1. Last evaluated: 2018-07-02. Review status: criteria provided, single submitter. Criteria: Mendelics Assertion Criteria 2017. Collection method: clinical testing. Allele origin: unknown.